The following is an entry in ClinVar:

NM_178857.6(RP1L1):c.5374C>A (p.Gln1792Lys)

Gene: RP1L1 (RP1 like 1). Cytogenetic location: 8p23.1.
Variant type: single nucleotide variant.
Coding change: c.5374C>A on transcript NM_178857.6 (MANE Select); coding-DNA position 5374, C replaced by A.
Protein change: p.Gln1792Lys; replaces glutamine 1792 with lysine.
Molecular consequence: missense variant.
Genome position (GRCh38, 1-based): chr8:10,608,724, G>T on the plus strand (C>A on the coding strand, the complement: RP1L1 is on the minus strand). VCF-style: chr8-10608724-G-T. GRCh37 (hg19) VCF-style: chr8-10466234-G-T.
Other names: short protein forms Q1792K.
Identifiers: ClinVar variation 5020835 (VCV005020835.1).
Genomic context (GRCh38, chr8:10,608,724, plus strand): 5'-CCTCATGCCCAGAGCCTTGACCCCCAGTTTCTCCCCTTTCACTTATGCCCTCTCCCTCCT[G>T]CTCAGCTTCCCCCAACTCACTGCCCGCACTGGTTTCACTGTTGTGGGTTTTCCCTTCTCT-3'
Protein context (NP_849188.4, residues 1782-1802): SAGSELGEAE[Gln1792Lys]EGEGISERGE

ClinVar aggregate classification (germline): Uncertain significance (1 of 4 stars; one submission).

gnomAD v4.1: 1 of 1,614,156 alleles (0.000062%); highest among the groups gnomAD compares: Non-Finnish European, 0.000085%; no homozygotes.

Submission:

Dasa
Classification: Uncertain significance. Last evaluated: 2025-10-10. Review status: criteria provided, single submitter. Criteria: DASA Assertion Criteria. Collection method: clinical testing. Allele origin: germline.
Comment: NM_178857.6(RP1L1):c.5374C>A (p.Gln1792Lys) is a missense variant that results in the substitution of glutamine with lysine. This variant is rare in population databases. Computational prediction algorithms are consistent with a benign effect. The currently available literature and clinical evidence are not sufficient to establish a definitive association between this variant and the reported condition. Therefore, this variant is classified as a variant of uncertain significance.